The following is an entry in ClinVar:

ClinVar aggregate classification (germline): Uncertain significance (1 of 4 stars; one submission).

Conditions:
Combined oxidative phosphorylation deficiency. Identifiers: MedGen C4540031, MONDO:0000732.
Charcot-Marie-Tooth Neuropathy X. Identifiers: MedGen CN118851.

Submission:

Labcorp Genetics (formerly Invitae), Labcorp
Classification: Uncertain significance for Charcot-Marie-Tooth Neuropathy X; Combined oxidative phosphorylation deficiency. Last evaluated: 2025-11-01. Review status: criteria provided, single submitter. Criteria: Invitae Variant Classification Sherloc (09022015). Collection method: clinical testing. Allele origin: germline.
Comment: This sequence change replaces isoleucine, which is neutral and non-polar, with valine, which is neutral and non-polar, at codon 394 of the AIFM1 protein (p.Ile394Val). This variant is not present in population databases (gnomAD no frequency). This variant has not been reported in the literature in individuals affected with AIFM1-related conditions. Invitae Evidence Modeling of protein sequence and biophysical properties (such as structural, functional, and spatial information, amino acid conservation, physicochemical variation, residue mobility, and thermodynamic stability) indicates that this missense variant is not expected to disrupt AIFM1 protein function with a negative predictive value of 80%. In summary, the available evidence is currently insufficient to determine the role of this variant in disease. Therefore, it has been classified as a Variant of Uncertain Significance.

NM_004208.4(AIFM1):c.1180A>G (p.Ile394Val)

Genes: AIFM1 (apoptosis inducing factor mitochondria associated 1; minus strand), RAB33A (RAB33A, member RAS oncogene family; plus strand). Cytogenetic location: Xq26.1.
Variant type: single nucleotide variant.
Coding change: c.1180A>G on transcript NM_004208.4 (MANE Select); coding-DNA position 1180, A replaced by G.
Protein change: p.Ile394Val; replaces isoleucine 394 with valine.
Molecular consequence: missense variant. On other transcripts: 3 prime UTR variant (1), non-coding transcript variant (1).
Genome position (GRCh38, 1-based): chrX:130,136,170, T>C on the plus strand (A>G on the coding strand, the complement: AIFM1 is on the minus strand). VCF-style: chrX-130136170-T-C. GRCh37 (hg19) VCF-style: chrX-129270145-T-C.
Other names: c.*408A>G (NM_001130847.4); c.1168A>G, p.Ile390Val (NM_145812.3); c.163A>G, p.Ile55Val (NM_001130846.4); short protein forms I390V, I55V, I394V.
Identifiers: ClinVar variation 4782512 (VCV004782512.1).